The following is an entry in ClinVar:

NM_000059.4(BRCA2):c.8726A>G (p.Lys2909Arg)

Gene: BRCA2 (BRCA2 DNA repair associated; plus strand). Cytogenetic location: 13q13.1.
Variant type: single nucleotide variant.
Coding change: c.8726A>G on transcript NM_000059.4 (MANE Select); coding-DNA position 8726, A replaced by G.
Protein change: p.Lys2909Arg; replaces lysine 2909 with arginine.
Molecular consequence: missense variant. On other transcripts: non-coding transcript variant (1).
Genome position (GRCh38, 1-based): chr13:32,376,763, A>G. VCF-style: chr13-32376763-A-G. GRCh37 (hg19) VCF-style: chr13-32950900-A-G.
Other names: c.8630A>G, p.Lys2877Arg (NM_001406719.1); c.8726A>G, p.Lys2909Arg (NM_001406720.1); c.3794A>G, p.Lys1265Arg (NM_001406721.1); c.2309A>G, p.Lys770Arg (NM_001406722.1); short protein forms K770R, K1265R, K2877R, K2909R.
Identifiers: ClinVar variation 2745990 (VCV002745990.4), dbSNP rs2137613295, ClinGen allele CA387754977.

ClinVar aggregate classification (germline): Conflicting classifications of pathogenicity. Review status: criteria provided, conflicting classifications (1 of 4 stars). 2 submissions from 2 submitters: Uncertain significance (1); Likely benign (1). Last evaluated 2026-08-08.

Conditions:
Hereditary cancer-predisposing syndrome. Also called: Hereditary Cancer Syndrome; Hereditary neoplastic syndrome; Neoplastic Syndromes, Hereditary; Tumor predisposition. Identifiers: Orphanet 140162, MedGen C0027672, MeSH D009386, MONDO:0015356.
Hereditary breast ovarian cancer syndrome. Also called: Hereditary breast and ovarian cancer syndrome; Hereditary breast and ovarian cancer syndrome (HBOC); Breast and ovarian cancer; Hereditary breast and/or ovarian cancer syndrome; Hereditary breast and ovarian cancer; BRCA1- and BRCA2-Associated Hereditary Breast and Ovarian Cancer. Identifiers: Orphanet 145, MedGen C0677776, MeSH D061325, MONDO:0003582. Disease mechanism: loss of function.

Submissions (2):

Ambry Genetics
Classification: Likely benign for Hereditary cancer-predisposing syndrome. Last evaluated: 2026-08-08. Review status: criteria provided, single submitter. Criteria: Ambry Variant Classification Scheme 2023. Collection method: clinical testing. Allele origin: germline.

Labcorp Genetics (formerly Invitae), Labcorp
Classification: Uncertain significance for Hereditary breast ovarian cancer syndrome. Last evaluated: 2023-07-23. Review status: criteria provided, single submitter. Criteria: Invitae Variant Classification Sherloc (09022015). Collection method: clinical testing. Allele origin: germline.
Comment: Advanced modeling of protein sequence and biophysical properties (such as structural, functional, and spatial information, amino acid conservation, physicochemical variation, residue mobility, and thermodynamic stability) performed at Invitae indicates that this missense variant is not expected to disrupt BRCA2 protein function. This variant has not been reported in the literature in individuals affected with BRCA2-related conditions. This variant is not present in population databases (gnomAD no frequency). This sequence change replaces lysine, which is basic and polar, with arginine, which is basic and polar, at codon 2909 of the BRCA2 protein (p.Lys2909Arg). In summary, the available evidence is currently insufficient to determine the role of this variant in disease. Therefore, it has been classified as a Variant of Uncertain Significance.